The following is an entry in ClinVar:

ClinVar aggregate classification (germline): Uncertain significance. Review status: criteria provided, single submitter (1 of 4 stars). 3 submissions from 3 submitters: Uncertain significance (1). 2 of the submissions do not count toward it. Last evaluated 2024-12-03.

Conditions:
CHRNE-related disorder. Also called: CHRNE-related condition.
Congenital myasthenic syndrome (CMS). Also called: Congenital Myasthenic Syndromes. Identifiers: Orphanet 590, MedGen C0751882, MeSH D020294, MONDO:0018940.
Congenital myasthenic syndrome 4A. Also called: Myasthenic syndrome, congenital, 4a, slow-channel; MYASTHENIC SYNDROME, CONGENITAL, 4A, SLOW-CHANNEL, AUTOSOMAL RECESSIVE; CONGENITAL MYASTHENIC SYNDROME TYPE Ia1. Identifiers: Orphanet 590, MedGen C4225413, MONDO:0011600, OMIM 605809.

Allele frequency attached by ClinVar (database versions not stated): ExAC 0.00001; gnomAD exomes 0.00001.

Submissions (3):

Labcorp Genetics (formerly Invitae), Labcorp
Classification: Uncertain significance for Congenital myasthenic syndrome 4A. Last evaluated: 2024-12-03. Review status: criteria provided, single submitter. Criteria: Invitae Variant Classification Sherloc (09022015). Collection method: clinical testing. Allele origin: germline.
Comment: This sequence change replaces leucine, which is neutral and non-polar, with histidine, which is basic and polar, at codon 475 of the CHRNE protein (p.Leu475His). This variant is present in population databases (rs764935677, gnomAD 0.0009%). This variant has not been reported in the literature in individuals affected with CHRNE-related conditions. ClinVar contains an entry for this variant (Variation ID: 970439). Invitae Evidence Modeling of protein sequence and biophysical properties (such as structural, functional, and spatial information, amino acid conservation, physicochemical variation, residue mobility, and thermodynamic stability) indicates that this missense variant is expected to disrupt CHRNE protein function with a positive predictive value of 95%. In summary, the available evidence is currently insufficient to determine the role of this variant in disease. Therefore, it has been classified as a Variant of Uncertain Significance.

PreventionGenetics, part of Exact Sciences
Classification: Uncertain significance for CHRNE-related condition. Last evaluated: 2023-10-30. Review status: no assertion criteria provided. Collection method: clinical testing. Allele origin: germline. Not counted in ClinVar's aggregate classification.
Comment: The CHRNE c.1424T>A variant is predicted to result in the amino acid substitution p.Leu475His. To our knowledge, this variant has not been reported in the literature. This variant is reported in 0.0% of alleles in individuals of African descent in gnomAD. At this time, the clinical significance of this variant is uncertain due to the absence of conclusive functional and genetic evidence.

Natera, Inc.
Classification: Uncertain significance for Congenital myasthenic syndrome. Last evaluated: 2020-01-24. Review status: no assertion criteria provided. Collection method: clinical testing. Allele origin: germline. Not counted in ClinVar's aggregate classification.

NM_000080.4(CHRNE):c.1424T>A (p.Leu475His)

Gene: CHRNE (cholinergic receptor nicotinic epsilon subunit; minus strand). Cytogenetic location: 17p13.2.
Variant type: single nucleotide variant.
Coding change: c.1424T>A on transcript NM_000080.4 (MANE Select); coding-DNA position 1424, T replaced by A.
Protein change: p.Leu475His; replaces leucine 475 with histidine.
Molecular consequence: missense variant.
Genome position (GRCh38, 1-based): chr17:4,898,794, A>T on the plus strand (T>A on the coding strand, the complement: CHRNE is on the minus strand). VCF-style: chr17-4898794-A-T. GRCh37 (hg19) VCF-style: chr17-4802089-A-T.
Other names: short protein forms L475H.
Identifiers: ClinVar variation 970439 (VCV000970439.6), dbSNP rs764935677, ClinGen allele CA8313825.